The following is an entry in ClinVar:

NM_003640.5(ELP1):c.1461-121T>C

Gene: ELP1 (elongator acetyltransferase complex subunit 1; minus strand). Cytogenetic location: 9q31.3.
Variant type: single nucleotide variant.
Coding change: c.1461-121T>C on transcript NM_003640.5 (MANE Select); 121 bases into the intron before coding-DNA position 1461, T replaced by C.
Molecular consequence: intron variant.
Genome position (GRCh38, 1-based): chr9:108,906,606, A>G on the plus strand (T>C on the coding strand, the complement: ELP1 is on the minus strand). VCF-style: chr9-108906606-A-G. GRCh37 (hg19) VCF-style: chr9-111668886-A-G.
Other names: c.1119-121T>C (NM_001318360.2); c.414-121T>C (NM_001330749.2).
Identifiers: ClinVar variation 681880 (VCV000681880.1), dbSNP rs3750461, ClinGen allele CA13118862.

ClinVar aggregate classification (germline): Benign (1 of 4 stars; one submission).

Allele frequency attached by ClinVar (database versions not stated): gnomAD exomes 0.06643; gnomAD 0.11517 and 0.11772; TOPMed 0.12706; 1000 Genomes Project 0.13658; 1000 Genomes Project 30x 0.14147.
gnomAD v4.1: 58,502 of 768,318 alleles (7.6%); highest among the groups gnomAD compares: African/African-American, 23%; 3,643 homozygotes.

Submission:

GeneDx
Classification: Benign. Last evaluated: 2018-06-19. Review status: criteria provided, single submitter. Criteria: GeneDx Variant Classification (06012015). Collection method: clinical testing. Allele origin: germline. Affected: yes.
Comment: This variant is considered likely benign or benign based on one or more of the following criteria: it is a conservative change, it occurs at a poorly conserved position in the protein, it is predicted to be benign by multiple in silico algorithms, and/or has population frequency not consistent with disease.